The following is an entry in ClinVar:

NM_001036.6(RYR3):c.7899+6G>A

Gene: RYR3 (ryanodine receptor 3; plus strand). Cytogenetic location: 15q14.
Variant type: single nucleotide variant.
Coding change: c.7899+6G>A on transcript NM_001036.6 (MANE Select); 6 bases into the intron after coding-DNA position 7899, G replaced by A.
Molecular consequence: intron variant.
Genome position (GRCh38, 1-based): chr15:33,742,450, G>A. VCF-style: chr15-33742450-G-A. GRCh37 (hg19) VCF-style: chr15-34034651-G-A.
Other names: c.7899+6G>A (NM_001243996.4).
Identifiers: ClinVar variation 1021231 (VCV001021231.8), dbSNP rs1244617514, ClinGen allele CA712209358.

ClinVar aggregate classification (germline): Uncertain significance (1 of 4 stars; one submission).

Conditions:
Epileptic encephalopathy. Identifiers: MedGen C0543888, HP:0200134.

Allele frequency attached by ClinVar (database versions not stated): gnomAD exomes below 0.00001; TOPMed 0.00001.
gnomAD v4.1: 1 of 1,579,886 alleles (0.000063%); highest among the groups gnomAD compares: African/African-American, 0.0013%; no homozygotes.

Submission:

Labcorp Genetics (formerly Invitae), Labcorp
Classification: Uncertain significance for Epileptic encephalopathy. Last evaluated: 2022-07-12. Review status: criteria provided, single submitter. Criteria: Invitae Variant Classification Sherloc (09022015). Collection method: clinical testing. Allele origin: germline.
Comment: In summary, the available evidence is currently insufficient to determine the role of this variant in disease. Therefore, it has been classified as a Variant of Uncertain Significance. Variants that disrupt the consensus splice site are a relatively common cause of aberrant splicing (PMID: 17576681, 9536098). Algorithms developed to predict the effect of sequence changes on RNA splicing suggest that this variant is not likely to affect RNA splicing. ClinVar contains an entry for this variant (Variation ID: 1021231). This variant has not been reported in the literature in individuals affected with RYR3-related conditions. This variant is not present in population databases (gnomAD no frequency). This sequence change falls in intron 52 of the RYR3 gene. It does not directly change the encoded amino acid sequence of the RYR3 protein. It affects a nucleotide within the consensus splice site.

Literature cited by the submitters: PubMed 17576681; PubMed 9536098.